The following is an entry in ClinVar:

NM_002439.5(MSH3):c.3292_3295del (p.Asn1098fs)

Gene: MSH3 (mutS homolog 3; plus strand). Cytogenetic location: 5q14.1.
Variant type: Microsatellite.
Coding change: c.3292_3295del on transcript NM_002439.5 (MANE Select); coding-DNA positions 3292 to 3295, 4 bases deleted (AATA; older notation c.3292_3295delAATA).
Protein change: p.Asn1098fs; shifts the reading frame from asparagine 1098.
Molecular consequence: frameshift variant.
Genome position (GRCh38, 1-based): chr5:80,873,277-80,873,280, AATA deleted; deleting any 4 consecutive bases within chr5:80,873,273-80,873,280 gives the same sequence; the c. name uses the placement nearest the transcript's 3' end. VCF-style (leftmost placement, unchanged base first): chr5-80873272-TAATA-T. GRCh37 (hg19) VCF-style: chr5-80169091-TAATA-T.
Other names: c.3292_3295delAATA (NM_002439.3); short protein forms N1098fs.
Identifiers: ClinVar variation 2673937 (VCV002673937.5), dbSNP rs2478805504, ClinGen allele CA2578350664.

ClinVar aggregate classification (germline): Conflicting classifications of pathogenicity. Review status: criteria provided, conflicting classifications (1 of 4 stars). 3 submissions from 3 submitters: Likely pathogenic (1); Uncertain significance (2). Last evaluated 2024-01-05.

Conditions:
Hereditary cancer-predisposing syndrome. Also called: Tumor predisposition; Hereditary neoplastic syndrome; Neoplastic Syndromes, Hereditary; Hereditary Cancer Syndrome. Identifiers: Orphanet 140162, MedGen C0027672, MeSH D009386, MONDO:0015356.
Familial adenomatous polyposis 4 (FAP4). Also called: MSH3-related attenuated familial adenomatous polyposis. Identifiers: Orphanet 480536, MedGen C4310719, MONDO:0044300, OMIM 617100.

Submissions (3):

Ambry Genetics
Classification: Uncertain significance for Hereditary cancer-predisposing syndrome. Last evaluated: 2024-01-05. Review status: criteria provided, single submitter. Criteria: Ambry Variant Classification Scheme 2023. Collection method: clinical testing. Allele origin: germline.
Comment: The c.3292_3295delAATA variant, located in coding exon 23 of the MSH3 gene, results from a deletion of 4 nucleotides at nucleotide positions 3292 to 3295, causing a translational frameshift with a predicted alternate stop codon (p.N1098Rfs*60). This alteration occurs at the 3' terminus of theMSH3 gene, is not expected to trigger nonsense-mediated mRNAdecay, and results in the elongation of the protein by 19 amino acids. This frameshift impacts the last 40 amino acids of the native protein. The exact functional effect of the altered amino acids is unknown. Since supporting evidence is limited at this time, the clinical significance of this alteration remains unclear.

Myriad Genetics, Inc.
Classification: Likely pathogenic for Familial adenomatous polyposis 4. Last evaluated: 2023-11-22. Review status: criteria provided, single submitter. Criteria: Myriad Autosomal Dominant, Autosomal Recessive and X-Linked Classification Criteria (2023). Collection method: clinical testing. Allele origin: unknown.
Comment: This variant is considered likely pathogenic. This variant creates a frameshift predicted to result in the incorporation of abnormal amino acid sequence into the protein product and abnormal protein elongation.

Labcorp Genetics (formerly Invitae), Labcorp
Classification: Uncertain significance. Last evaluated: 2023-08-10. Review status: criteria provided, single submitter. Criteria: Invitae Variant Classification Sherloc (09022015). Collection method: clinical testing. Allele origin: germline.
Comment: This sequence change results in a frameshift in the MSH3 gene (p.Asn1098Argfs*60). While this is not anticipated to result in nonsense mediated decay, it is expected to disrupt the last 40 amino acid(s) of the MSH3 protein and extend the protein by 19 additional amino acid residues. This variant is not present in population databases (gnomAD no frequency). This variant has not been reported in the literature in individuals affected with MSH3-related conditions. Experimental studies and prediction algorithms are not available or were not evaluated, and the functional significance of this variant is currently unknown. In summary, the available evidence is currently insufficient to determine the role of this variant in disease. Therefore, it has been classified as a Variant of Uncertain Significance.